The following is an entry in ClinVar:

ClinVar aggregate classification (germline): Uncertain significance (1 of 4 stars; one submission).

Submission:

GeneDx
Classification: Uncertain significance. Last evaluated: 2024-04-19. Review status: criteria provided, single submitter. Criteria: GeneDx Variant Classification Process June 2021. Collection method: clinical testing. Allele origin: germline. Affected: yes.
Comment: Not observed at significant frequency in large population cohorts (gnomAD); In silico analysis indicates that this missense variant does not alter protein structure/function; Has not been previously published as pathogenic or benign to our knowledge

NM_017635.5(KMT5B):c.2317A>C (p.Ser773Arg)

Gene: KMT5B (lysine methyltransferase 5B; minus strand). Cytogenetic location: 11q13.2.
Variant type: single nucleotide variant.
Coding change: c.2317A>C on transcript NM_017635.5 (MANE Select); coding-DNA position 2317, A replaced by C.
Protein change: p.Ser773Arg; replaces serine 773 with arginine.
Molecular consequence: missense variant.
Genome position (GRCh38, 1-based): chr11:68,158,029, T>G on the plus strand (A>C on the coding strand, the complement: KMT5B is on the minus strand). VCF-style: chr11-68158029-T-G. GRCh37 (hg19) VCF-style: chr11-67925496-T-G.
Other names: c.1801A>C, p.Ser601Arg (NM_001300907.1, NM_001369428.1, NM_001369429.1 and 4 more transcripts); c.1597A>C, p.Ser533Arg (NM_001300908.2); c.2317A>C, p.Ser773Arg (NM_001369426.1); short protein forms S533R, S601R, S773R.
Identifiers: ClinVar variation 3372663 (VCV003372663.1).